The following is an entry in ClinVar:

ClinVar aggregate classification (germline): Uncertain significance (1 of 4 stars; one submission).

Conditions:
Hereditary cancer-predisposing syndrome. Also called: Neoplastic Syndromes, Hereditary; Tumor predisposition; Hereditary Cancer Syndrome; Hereditary neoplastic syndrome. Identifiers: Orphanet 140162, MedGen C0027672, MeSH D009386, MONDO:0015356.

Submission:

Color Diagnostics, LLC DBA Color Health
Classification: Uncertain significance for Hereditary cancer-predisposing syndrome. Last evaluated: 2024-03-06. Review status: criteria provided, single submitter. Criteria: ACMG Guidelines, 2015. Collection method: clinical testing. Allele origin: germline.
Comment: This missense variant replaces glycine with cysteine at codon 194 of the CDH1 protein. Splice site prediction tools suggest that this variant may not impact RNA splicing. To our knowledge, functional studies have not been performed for this variant. This variant has not been reported in individuals affected with hereditary cancer in the literature. This variant has not been identified in the general population by the Genome Aggregation Database (gnomAD). The available evidence is insufficient to determine the role of this variant in disease conclusively. Therefore, this variant is classified as a Variant of Uncertain Significance.

NM_004360.5(CDH1):c.580G>T (p.Gly194Cys)

Gene: CDH1 (cadherin 1; plus strand). Cytogenetic location: 16q22.1.
Variant type: single nucleotide variant.
Coding change: c.580G>T on transcript NM_004360.5 (MANE Select); coding-DNA position 580, G replaced by T.
Protein change: p.Gly194Cys; replaces glycine 194 with cysteine.
Molecular consequence: missense variant. On other transcripts: 5 prime UTR variant (2).
Genome position (GRCh38, 1-based): chr16:68,808,741, G>T. VCF-style: chr16-68808741-G-T. GRCh37 (hg19) VCF-style: chr16-68842644-G-T.
Other names: c.580G>T, p.Gly194Cys (NM_001317184.2); c.-1036G>T (NM_001317185.2); c.-1240G>T (NM_001317186.2); short protein forms G194C.
Identifiers: ClinVar variation 921856 (VCV000921856.4), dbSNP rs1960737674, ClinGen allele CA396457948.